The following is an entry in ClinVar:

NM_006206.6(PDGFRA):c.1089C>G (p.Ile363Met)

Gene: PDGFRA (platelet derived growth factor receptor alpha; plus strand). Cytogenetic location: 4q12.
Variant type: single nucleotide variant.
Coding change: c.1089C>G on transcript NM_006206.6 (MANE Select); coding-DNA position 1089, C replaced by G.
Protein change: p.Ile363Met; replaces isoleucine 363 with methionine.
Molecular consequence: missense variant.
Genome position (GRCh38, 1-based): chr4:54,267,709, C>G. VCF-style: chr4-54267709-C-G. GRCh37 (hg19) VCF-style: chr4-55133876-C-G.
Other names: c.1089C>G, p.Ile363Met (NM_001347827.2, NM_001347829.2); c.1164C>G, p.Ile388Met (NM_001347828.2); c.1128C>G, p.Ile376Met (NM_001347830.2); c.1089C>G (NM_006206.4); short protein forms I376M, I388M, I363M.
Identifiers: ClinVar variation 1362393 (VCV001362393.10), dbSNP rs2110267512, ClinGen allele CA356891774.
Genomic context (GRCh38, chr4:54,267,709, plus strand): 5'-ACCTCCCAGGATATCCTGGCTGAAAAACAATCTGACTCTGATTGAAAATCTCACTGAGAT[C>G]ACCACTGATGTGGAAAAGATTCAGGAAATAAGGTAAAGAAACTCTCTGCCCAAGTATGCC-3'
Protein context (NP_006197.1, residues 353-373): NLTLIENLTE[Ile363Met]TTDVEKIQEI

ClinVar aggregate classification (germline): Uncertain significance. Review status: criteria provided, multiple submitters, no conflicts (2 of 4 stars). 2 submissions from 2 submitters: Uncertain significance (2). Last evaluated 2022-11-16.

Conditions:
Gastrointestinal stromal tumor. Also called: Gastrointestinal stroma tumor; Gastrointestinal stromal tumor, somatic. Identifiers: Orphanet 44890, MedGen C0238198, MeSH D046152, MONDO:0011719, OMIM 606764, HP:0100723.
Hereditary cancer-predisposing syndrome. Also called: Tumor predisposition; Hereditary Cancer Syndrome; Hereditary neoplastic syndrome; Neoplastic Syndromes, Hereditary. Identifiers: Orphanet 140162, MedGen C0027672, MeSH D009386, MONDO:0015356.

gnomAD v4.1: 1 of 1,614,038 alleles (0.000062%); highest among the groups gnomAD compares: South Asian, 0.0011%; no homozygotes.

Submissions (2):

Ambry Genetics
Classification: Uncertain significance for Hereditary cancer-predisposing syndrome. Last evaluated: 2022-11-16. Review status: criteria provided, single submitter. Criteria: Ambry Variant Classification Scheme 2023. Collection method: clinical testing. Allele origin: germline.
Comment: The p.I363M variant (also known as c.1089C>G), located in coding exon 6 of the PDGFRA gene, results from a C to G substitution at nucleotide position 1089. The isoleucine at codon 363 is replaced by methionine, an amino acid with highly similar properties. This amino acid position is conserved. In addition, the in silico prediction for this alteration is inconclusive. Since supporting evidence is limited at this time, the clinical significance of this alteration remains unclear.

Labcorp Genetics (formerly Invitae), Labcorp
Classification: Uncertain significance for Gastrointestinal stromal tumor. Last evaluated: 2021-09-05. Review status: criteria provided, single submitter. Criteria: Invitae Variant Classification Sherloc (09022015). Collection method: clinical testing. Allele origin: germline.
Comment: This sequence change replaces isoleucine with methionine at codon 363 of the PDGFRA protein (p.Ile363Met). The isoleucine residue is highly conserved and there is a small physicochemical difference between isoleucine and methionine. This variant is not present in population databases (ExAC no frequency). This variant has not been reported in the literature in individuals with PDGFRA-related conditions. Algorithms developed to predict the effect of missense changes on protein structure and function are either unavailable or do not agree on the potential impact of this missense change (SIFT: "Deleterious"; PolyPhen-2: "Probably Damaging"; Align-GVGD: "Class C0"). In summary, the available evidence is currently insufficient to determine the role of this variant in disease. Therefore, it has been classified as a Variant of Uncertain Significance.